The following is an entry in ClinVar:

NM_007194.4(CHEK2):c.818A>G (p.Glu273Gly)

Gene: CHEK2 (checkpoint kinase 2; minus strand). Cytogenetic location: 22q12.1.
Variant type: single nucleotide variant.
Coding change: c.818A>G on transcript NM_007194.4 (MANE Select); coding-DNA position 818, A replaced by G.
Protein change: p.Glu273Gly; replaces glutamic acid 273 with glycine.
Molecular consequence: missense variant.
Genome position (GRCh38, 1-based): chr22:28,710,034, T>C on the plus strand (A>G on the coding strand, the complement: CHEK2 is on the minus strand). VCF-style: chr22-28710034-T-C. GRCh37 (hg19) VCF-style: chr22-29106022-T-C.
Other names: c.947A>G, p.Glu316Gly (NM_001005735.3); c.155A>G, p.Glu52Gly (NM_001257387.3); c.617A>G, p.Glu206Gly (NM_001349956.3); c.818A>G, p.Glu273Gly (NM_145862.3); short protein forms E206G, E273G, E52G, E316G.
Identifiers: ClinVar variation 1384943 (VCV001384943.7), dbSNP rs755666375, ClinGen allele CA411102414.

ClinVar aggregate classification (germline): Uncertain significance (1 of 4 stars; one submission).

Conditions:
Familial cancer of breast. Also called: Hereditary breast cancer; BREAST CANCER, FAMILIAL; hereditary breast carcinoma. Identifiers: Orphanet 227535, MedGen C0346153, MONDO:0016419, OMIM 114480. Disease mechanism: loss of function.

Submission:

Labcorp Genetics (formerly Invitae), Labcorp
Classification: Uncertain significance for Familial cancer of breast. Last evaluated: 2021-10-06. Review status: criteria provided, single submitter. Criteria: Invitae Variant Classification Sherloc (09022015). Collection method: clinical testing. Allele origin: germline.
Comment: In summary, the available evidence is currently insufficient to determine the role of this variant in disease. Therefore, it has been classified as a Variant of Uncertain Significance. Algorithms developed to predict the effect of missense changes on protein structure and function are either unavailable or do not agree on the potential impact of this missense change (SIFT: "Deleterious"; PolyPhen-2: "Probably Damaging"; Align-GVGD: "Class C0"). This variant has not been reported in the literature in individuals affected with CHEK2-related conditions. This variant is not present in population databases (ExAC no frequency). This sequence change replaces glutamic acid with glycine at codon 273 of the CHEK2 protein (p.Glu273Gly). The glutamic acid residue is moderately conserved and there is a moderate physicochemical difference between glutamic acid and glycine.